The following is an entry in ClinVar:

NM_000492.4(CFTR):c.1584+66T>C

Genes: CFTR (CF transmembrane conductance regulator; plus strand), CFTR-AS1 (CFTR antisense RNA 1; minus strand). Cytogenetic location: 7q31.2.
Variant type: single nucleotide variant.
Coding change: c.1584+66T>C on transcript NM_000492.4 (MANE Select); 66 bases into the intron after coding-DNA position 1584, T replaced by C.
Molecular consequence: intron variant.
Genome position (GRCh38, 1-based): chr7:117,559,721, T>C. VCF-style: chr7-117559721-T-C. GRCh37 (hg19) VCF-style: chr7-117199775-T-C.
Identifiers: ClinVar variation 3044012 (VCV003044012.2), dbSNP rs2485066196, ClinGen allele CA2684618640.

ClinVar aggregate classification (germline): Likely benign (0 of 4 stars; one submission).

Conditions:
CFTR-related disorder (CFTR-RD). Also called: CFTR-related condition; CFTR-related disorders. Identifiers: MedGen C5924204, MONDO:7770004.

Submission:

PreventionGenetics, part of Exact Sciences
Classification: Likely benign for CFTR-related condition. Last evaluated: 2022-03-17. Review status: no assertion criteria provided. Collection method: clinical testing. Allele origin: germline.
Comment: This variant is classified as likely benign based on ACMG/AMP sequence variant interpretation guidelines (Richards et al. 2015 PMID: 25741868, with internal and published modifications).